The following is an entry in ClinVar:

NM_001457.4(FLNB):c.5318C>T (p.Thr1773Ile)

Gene: FLNB (filamin B; plus strand). Cytogenetic location: 3p14.3.
Variant type: single nucleotide variant.
Coding change: c.5318C>T on transcript NM_001457.4 (MANE Select); coding-DNA position 5318, C replaced by T.
Protein change: p.Thr1773Ile; replaces threonine 1773 with isoleucine.
Molecular consequence: missense variant.
Genome position (GRCh38, 1-based): chr3:58,143,506, C>T. VCF-style: chr3-58143506-C-T. GRCh37 (hg19) VCF-style: chr3-58129233-C-T.
Other names: c.5411C>T, p.Thr1804Ile (NM_001164317.2); c.5285C>T, p.Thr1762Ile (NM_001164318.2); c.5246C>T, p.Thr1749Ile (NM_001164319.2); short protein forms T1749I, T1762I, T1773I, T1804I.
Identifiers: ClinVar variation 3616065 (VCV003616065.2).

ClinVar aggregate classification (germline): Uncertain significance (1 of 4 stars; one submission).

gnomAD v4.1: 3 of 1,614,196 alleles (0.00019%); highest among the groups gnomAD compares: South Asian, 0.0033%; no homozygotes.

Submission:

Labcorp Genetics (formerly Invitae), Labcorp
Classification: Uncertain significance. Last evaluated: 2024-11-21. Review status: criteria provided, single submitter. Criteria: Invitae Variant Classification Sherloc (09022015). Collection method: clinical testing. Allele origin: germline.
Comment: This sequence change replaces threonine, which is neutral and polar, with isoleucine, which is neutral and non-polar, at codon 1773 of the FLNB protein (p.Thr1773Ile). This variant is present in population databases (rs757439107, gnomAD 0.003%). This variant has not been reported in the literature in individuals affected with FLNB-related conditions. Invitae Evidence Modeling of protein sequence and biophysical properties (such as structural, functional, and spatial information, amino acid conservation, physicochemical variation, residue mobility, and thermodynamic stability) indicates that this missense variant is not expected to disrupt FLNB protein function with a negative predictive value of 95%. In summary, the available evidence is currently insufficient to determine the role of this variant in disease. Therefore, it has been classified as a Variant of Uncertain Significance.